The following is an entry in ClinVar:

ClinVar aggregate classification (germline): Uncertain significance (1 of 4 stars; one submission).

Conditions:
Inborn genetic diseases. Identifiers: MedGen C0950123, MeSH D030342.

Allele frequency attached by ClinVar (database versions not stated): TOPMed below 0.00001; gnomAD 0.00001.
gnomAD v4.1: 1 of 1,613,786 alleles (0.000062%); highest among the groups gnomAD compares: African/African-American, 0.0013%; no homozygotes.

Submission:

Ambry Genetics
Classification: Uncertain significance for Inborn genetic diseases. Last evaluated: 2022-05-09. Review status: criteria provided, single submitter. Criteria: Ambry Variant Classification Scheme 2023. Collection method: clinical testing. Allele origin: germline.
Comment: The p.T985I variant (also known as c.2954C>T), located in coding exon 23 of the LRRK2 gene, results from a C to T substitution at nucleotide position 2954. The threonine at codon 985 is replaced by isoleucine, an amino acid with similar properties. This amino acid position is conserved. In addition, the in silico prediction for this alteration is inconclusive. Since supporting evidence is limited at this time, the clinical significance of this alteration remains unclear.

NM_198578.4(LRRK2):c.2954C>T (p.Thr985Ile)

Gene: LRRK2 (leucine rich repeat kinase 2; plus strand). Cytogenetic location: 12q12.
Variant type: single nucleotide variant.
Coding change: c.2954C>T on transcript NM_198578.4 (MANE Select); coding-DNA position 2954, C replaced by T.
Protein change: p.Thr985Ile; replaces threonine 985 with isoleucine.
Molecular consequence: missense variant.
Genome position (GRCh38, 1-based): chr12:40,295,502, C>T. VCF-style: chr12-40295502-C-T. GRCh37 (hg19) VCF-style: chr12-40689304-C-T.
Other names: short protein forms T985I.
Identifiers: ClinVar variation 1798095 (VCV001798095.2), dbSNP rs1441810458, ClinGen allele CA384412638.
Genomic context (GRCh38, chr12:40,295,502, plus strand): 5'-AATCCCATATGAGGCATTCAGACAGCATTTCTTCTCTGGCTTCTGAGAGAGAATATATTA[C>T]ATCACTAGACCTTTCAGCAAATGAACTAAGAGATATTGATGCCCTAAGCCAGAAATGCTG-3'
Protein context (NP_940980.4, residues 975-995): SSLASEREYI[Thr985Ile]SLDLSANELR